The following is an entry in ClinVar:

NM_000020.3(ACVRL1):c.72_79del (p.Lys25fs)

Gene: ACVRL1 (activin A receptor like type 1; plus strand). Cytogenetic location: 12q13.13.
Variant type: Deletion.
Coding change: c.72_79del on transcript NM_000020.3 (MANE Select); coding-DNA positions 72 to 79, 8 bases deleted (GAAGCCGT; older notation c.72_79delGAAGCCGT).
Protein change: p.Lys25fs; shifts the reading frame from lysine 25.
Molecular consequence: frameshift variant.
Genome position (GRCh38, 1-based): chr12:51,913,109-51,913,116, GAAGCCGT deleted; deleting any 8 consecutive bases within chr12:51,913,107-51,913,116 gives the same sequence; the c. name uses the placement nearest the transcript's 3' end. VCF-style (leftmost placement, unchanged base first): chr12-51913106-TGTGAAGCC-T. GRCh37 (hg19) VCF-style: chr12-52306890-TGTGAAGCC-T.
Other names: c.72_79del, p.Lys25fs (NM_001077401.2); short protein forms K25fs.
Identifiers: ClinVar variation 811218 (VCV000811218.14), dbSNP rs1592221459, ClinGen allele CA915948518.

ClinVar aggregate classification (germline): Pathogenic. Review status: criteria provided, multiple submitters, no conflicts (2 of 4 stars). 2 submissions from 2 submitters: Pathogenic (2). Last evaluated 2024-09-23.

Conditions:
Telangiectasia, hereditary hemorrhagic, type 2 (HHT2). Also called: Telangiectasia, hereditary hemorrhagic, type II; ACVRL1-Related Hereditary Hemorrhagic Telangiectasia. Identifiers: Orphanet 774, MedGen C1838163, MONDO:0010880, OMIM 600376. Disease mechanism: loss of function.

Submissions (2):

Labcorp Genetics (formerly Invitae), Labcorp
Classification: Pathogenic for Telangiectasia, hereditary hemorrhagic, type 2. Last evaluated: 2024-09-23. Review status: criteria provided, single submitter. Criteria: Invitae Variant Classification Sherloc (09022015). Collection method: clinical testing. Allele origin: germline.
Comment: This sequence change creates a premature translational stop signal (p.Lys25Serfs*10) in the ACVRL1 gene. It is expected to result in an absent or disrupted protein product. Loss-of-function variants in ACVRL1 are known to be pathogenic (PMID: 15879500). This variant is not present in population databases (gnomAD no frequency). This variant has not been reported in the literature in individuals affected with ACVRL1-related conditions. ClinVar contains an entry for this variant (Variation ID: 811218). For these reasons, this variant has been classified as Pathogenic.

ARUP Laboratories, Molecular Genetics and Genomics, ARUP Laboratories
Classification: Pathogenic for Telangiectasia, hereditary hemorrhagic, type 2. Last evaluated: 2021-09-16. Review status: criteria provided, single submitter. Criteria: ARUP Molecular Germline Variant Investigation Process 2021. Collection method: clinical testing. Allele origin: germline.
Comment: The ACVRL1 c.72_79delGAAGCCGT; p.Lys25SerfsTer10 variant, to our knowledge, is not described in the medical literature or in gene-specific databases. It is also absent from general population databases (1000 Genomes Project, Exome Variant Server, and Genome Aggregation Database), indicating it is not a common polymorphism. This variant causes a frameshift by deleting 8 nucleotides, so it is predicted to result in a truncated protein or mRNA subject to nonsense-mediated decay. Additionally, several downstream truncating variants have been described in individuals with a clinical diagnosis of hereditary hemorrhagic telangiectasia (HHT) and are considered pathogenic (Abdalla 2003, Abdalla 2005, Assis 2007, Bayrak-Toydemir 2006, Lesca 2004). Based on available information, the p.Lys25SerfsTer10 variant is considered pathogenic. References: Abdalla S et al. Disease-associated mutations in conserved residues of ALK-1 kinase domain. Eur J Hum Genet. 2003; 11(4):279-87. Abdalla S et al. Novel mutations and polymorphisms in genes causing hereditary hemorrhagic telangiectasia. Hum Mutat. 2005; 25(3):320-1. Assis A et al. Three novel mutations in the activin receptor-like kinase 1 (ALK-1) gene in hereditary hemorrhagic telangiectasia type 2 in Brazilian patients. J Hum Genet. 2007;52(3):237-43. Bayrak-Toydemir P et al. Genotype-phenotype correlation in hereditary hemorrhagic telangiectasia: mutations and manifestations. Am J Med Genet A. 2006 Mar 1;140(5):463-70. Lesca G et al. Molecular screening of ALK1/ACVRL1 and ENG genes in hereditary hemorrhagic telangiectasia in France. Hum Mutat. 2004; 23(4):289-99.

Literature cited by the submitters: PubMed 15879500 (cited by Labcorp Genetics (formerly Invitae), Labcorp).